The following is an entry in ClinVar:

NM_000046.5(ARSB):c.253TAC[1] (p.Tyr86del)

Genes: ARSB (arylsulfatase B; minus strand), LOC129994126 (ATAC-STARR-seq lymphoblastoid silent region 16127; plus strand). Cytogenetic location: 5q14.1.
Variant type: Microsatellite.
Coding change: c.253TAC[1] on transcript NM_000046.5 (MANE Select); one copy of the 3-base unit TAC starting at c.253; the reference has two copies in a row; one copy, 3 bases deleted; also written c.256_258del.
Protein change: p.Tyr86del; deletes tyrosine 86.
Molecular consequence: inframe deletion.
Genome position (GRCh38, 1-based): chr5:78,984,991-78,984,993, GTA deleted on the plus strand (TAC on the coding strand, the reverse complement: ARSB is on the minus strand); deleting any 3 consecutive bases within chr5:78,984,991-78,984,998 gives the same sequence; the position shown is the placement nearest the transcript's 3' end. VCF-style (leftmost placement, unchanged base first): chr5-78984990-TGTA-T. GRCh37 (hg19) VCF-style: chr5-78280813-TGTA-T.
Other names: c.256_258delTAC (NM_000046.3); c.256_258del (NM_000046.5); c.253TAC[1], p.Tyr86del (NM_198709.3); short protein forms Y86del.
Identifiers: ClinVar variation 1323467 (VCV001323467.5), dbSNP rs969231209, ClinGen allele CA121117629.

ClinVar aggregate classification (germline): Pathogenic/Likely pathogenic. Review status: criteria provided, multiple submitters, no conflicts (2 of 4 stars). 2 submissions from 2 submitters: Pathogenic (1); Likely pathogenic (1). Last evaluated 2023-05-26.

Conditions:
Mucopolysaccharidosis type 6 (MPS6). Also called: MPS 6; Maroteaux Lamy syndrome; MPS VI; N-ACETYLGALACTOSAMINE-4-SULFATASE DEFICIENCY; ARSB DEFICIENCY; ARYLSULFATASE B DEFICIENCY. Identifiers: Orphanet 583, MedGen C0026709, MONDO:0009661, OMIM 253200.

Submissions (2):

Women's Health and Genetics/Laboratory Corporation of America, LabCorp
Classification: Likely pathogenic for Mucopolysaccharidosis type 6. Last evaluated: 2023-05-26. Review status: criteria provided, single submitter. Criteria: LabCorp Variant Classification Summary - May 2015. Collection method: clinical testing. Allele origin: germline.
Comment: Variant summary: ARSB c.256_258delTAC (p.Tyr86del) results in an in-frame deletion that is predicted to remove 1 amino acid from the encoded protein. The variant was absent in 173184 control chromosomes (gnomAD). c.256_258delTAC has been reported in the literature in an individual affected with Mucopolysaccharidosis Type VI (Maroteaux-Lamy Syndrome) who was compound heterozygous with a (likely) pathogenic variant (Karageorgos_2004). This publication also reports experimental evidence evaluating an impact on protein function, showing that the variant construct results in very low ARSB activity when transfected into cells. The following publication has been ascertained in the context of this evaluation (PMID: 14974081). One clinical diagnostic laboratory has submitted a clinical-significance assessment for this variant to ClinVar after 2014 without evidence for independent evaluation, and classified it as pathogenic. Based on the evidence outlined above, the variant was classified as likely pathogenic.

Revvity Omics, Revvity
Classification: Pathogenic for Mucopolysaccharidosis type 6. Last evaluated: 2021-10-29. Review status: criteria provided, single submitter. Criteria: ACMG Guidelines, 2015. Collection method: clinical testing. Allele origin: germline.

Literature cited by the submitters: PubMed 14974081 (cited by Women's Health and Genetics/Laboratory Corporation of America, LabCorp).